The following is an entry in ClinVar:

ClinVar aggregate classification (germline): Uncertain significance. Review status: criteria provided, multiple submitters, no conflicts (2 of 4 stars). 2 submissions from 2 submitters: Uncertain significance (2). Last evaluated 2017-01-17.

Conditions:
Short QT syndrome type 3. Identifiers: Orphanet 51083, MedGen C1865018, MONDO:0012314, OMIM 609622.
Andersen Tawil syndrome (LQT7). Also called: LONG QT SYNDROME 7; PERIODIC PARALYSIS, POTASSIUM-SENSITIVE CARDIODYSRHYTHMIC TYPE; Andersen Syndrome; ANDERSEN CARDIODYSRHYTHMIC PERIODIC PARALYSIS; Potassium-sensitive periodic paralysis, ventricular ectopy, and dysmorphic features. Identifiers: Orphanet 37553, MedGen C1563715, MONDO:0008222, OMIM 170390.

gnomAD v4.1: 1 of 1,614,032 alleles (0.000062%); highest among the groups gnomAD compares: Non-Finnish European, 0.000085%; no homozygotes.

Submissions (2):

Stanford Center for Inherited Cardiovascular Disease, Stanford University
Classification: Uncertain significance. Last evaluated: 2017-01-17. Review status: criteria provided, single submitter. Criteria: ACMG Guidelines, 2015. Collection method: provider interpretation. Allele origin: germline.

Labcorp Genetics (formerly Invitae), Labcorp
Classification: Uncertain significance for Short QT syndrome type 3; Andersen Tawil syndrome. Last evaluated: 2016-10-29. Review status: criteria provided, single submitter. Criteria: Invitae Variant Classification Sherloc (09022015). Collection method: clinical testing. Allele origin: germline.
Comment: In summary, this variant is a novel missense change that is not predicted to affect protein function. There is no indication that it causes disease, but the available evidence is currently insufficient to prove that conclusively. Therefore, it has been classified as a Variant of Uncertain Significance. Algorithms developed to predict the effect of missense changes on protein structure and function (SIFT, PolyPhen-2, Align-GVGD) all suggest that this variant is likely to be tolerated, but these predictions have not been confirmed by published functional studies. This variant is not present in population databases (ExAC no frequency) and has not been reported in the literature in individuals with a KCNJ2-related disease. This sequence change replaces lysine with arginine at codon 364 of the KCNJ2 protein (p.Lys364Arg). The lysine residue is highly conserved and there is a small physicochemical difference between lysine and arginine.

NM_000891.3(KCNJ2):c.1091A>G (p.Lys364Arg)

Gene: KCNJ2 (potassium inwardly rectifying channel subfamily J member 2; plus strand). Cytogenetic location: 17q24.3.
Variant type: single nucleotide variant.
Coding change: c.1091A>G on transcript NM_000891.3 (MANE Select); coding-DNA position 1091, A replaced by G.
Protein change: p.Lys364Arg; replaces lysine 364 with arginine.
Molecular consequence: missense variant.
Genome position (GRCh38, 1-based): chr17:70,176,130, A>G. VCF-style: chr17-70176130-A-G. GRCh37 (hg19) VCF-style: chr17-68172271-A-G.
Other names: short protein forms K364R.
Identifiers: ClinVar variation 403975 (VCV000403975.11), dbSNP rs1060500054, ClinGen allele CA16615670.